The following is an entry in ClinVar:

ClinVar aggregate classification (germline): Uncertain significance (1 of 4 stars; one submission).

Submission:

Ambry Genetics
Classification: Uncertain significance. Last evaluated: 2022-01-10. Review status: criteria provided, single submitter. Criteria: Ambry Variant Classification Scheme 2023. Collection method: clinical testing. Allele origin: germline.
Comment: The p.G190D variant (also known as c.569G>A), located in coding exon 7 of the BUB1 gene, results from a G to A substitution at nucleotide position 569. The glycine at codon 190 is replaced by aspartic acid, an amino acid with similar properties. This amino acid position is conserved. In addition, this alteration is predicted to be tolerated by in silico analysis. Since supporting evidence is limited at this time, the clinical significance of this alteration remains unclear.

NM_004336.5(BUB1):c.569G>A (p.Gly190Asp)

Gene: BUB1 (BUB1 mitotic checkpoint serine/threonine kinase; minus strand). Cytogenetic location: 2q13.
Variant type: single nucleotide variant.
Coding change: c.569G>A on transcript NM_004336.5 (MANE Select); coding-DNA position 569, G replaced by A.
Protein change: p.Gly190Asp; replaces glycine 190 with aspartic acid.
Molecular consequence: missense variant.
Genome position (GRCh38, 1-based): chr2:110,667,848, C>T on the plus strand (G>A on the coding strand, the complement: BUB1 is on the minus strand). VCF-style: chr2-110667848-C-T. GRCh37 (hg19) VCF-style: chr2-111425425-C-T.
Other names: c.509G>A, p.Gly170Asp (NM_001278616.2); c.569G>A, p.Gly190Asp (NM_001278617.2); short protein forms G170D, G190D.
Identifiers: ClinVar variation 1749133 (VCV001749133.2), dbSNP rs2468028768, ClinGen allele CA348218408.
Genomic context (GRCh38, chr2:110,667,848, plus strand): 5'-TATACTTGCATATTTGACTCTTTATCACAAGCTGAAGATATCACTCCAGAAAGCTCTGAA[C>T]CCTAAAAAACAGAAAACAAACATGAGCATTCACTTATCTGAGAAGAAAGCTTCACCCAAA-3'
Protein context (NP_004327.1, residues 180-200): NNMACISKNQ[Gly190Asp]SELSGVISSA